The following is an entry in ClinVar:

NM_018418.5(SPATA7):c.1067G>A (p.Arg356His)

Gene: SPATA7 (spermatogenesis associated 7; plus strand). Cytogenetic location: 14q31.3.
Variant type: single nucleotide variant.
Coding change: c.1067G>A on transcript NM_018418.5 (MANE Select); coding-DNA position 1067, G replaced by A.
Protein change: p.Arg356His; replaces arginine 356 with histidine.
Molecular consequence: missense variant.
Genome position (GRCh38, 1-based): chr14:88,431,210, G>A. VCF-style: chr14-88431210-G-A. GRCh37 (hg19) VCF-style: chr14-88897554-G-A.
Other names: c.971G>A, p.Arg324His (NM_001040428.4); short protein forms R324H, R356H.
Identifiers: ClinVar variation 852501 (VCV000852501.8), dbSNP rs151154007, ClinGen allele CA7298704.

ClinVar aggregate classification (germline): Uncertain significance. Review status: criteria provided, multiple submitters, no conflicts (2 of 4 stars). 2 submissions from 2 submitters: Uncertain significance (2). Last evaluated 2022-09-07.

Conditions:
Leber congenital amaurosis 3 (LCA3). Also called: SPATA7-Related Retinitis Pigmentosa. Identifiers: MedGen C1858677, MONDO:0011415, OMIM 604232.

Allele frequency attached by ClinVar (database versions not stated): ExAC 0.00005; TOPMed 0.00005; gnomAD 0.00008 and 0.00009; ESP Exome Variant Server 0.00038.
gnomAD v4.1: 45 of 1,613,314 alleles (0.0028%); highest among the groups gnomAD compares: African/African-American, 0.033%; no homozygotes.

Submissions (2):

Blueprint Genetics
Classification: Uncertain significance. Last evaluated: 2022-09-07. Review status: criteria provided, single submitter. Criteria: ACMG Guidelines, 2015. Collection method: clinical testing. Allele origin: germline.

Labcorp Genetics (formerly Invitae), Labcorp
Classification: Uncertain significance for Leber congenital amaurosis 3. Last evaluated: 2022-08-09. Review status: criteria provided, single submitter. Criteria: Invitae Variant Classification Sherloc (09022015). Collection method: clinical testing. Allele origin: germline.
Comment: This sequence change replaces arginine, which is basic and polar, with histidine, which is basic and polar, at codon 356 of the SPATA7 protein (p.Arg356His). This variant is present in population databases (rs151154007, gnomAD 0.04%). This variant has not been reported in the literature in individuals affected with SPATA7-related conditions. ClinVar contains an entry for this variant (Variation ID: 852501). Algorithms developed to predict the effect of missense changes on protein structure and function are either unavailable or do not agree on the potential impact of this missense change (SIFT: "Tolerated"; PolyPhen-2: "Possibly Damaging"; Align-GVGD: "Class C0"). In summary, the available evidence is currently insufficient to determine the role of this variant in disease. Therefore, it has been classified as a Variant of Uncertain Significance.